The following is an entry in ClinVar:

ClinVar aggregate classification (germline): Uncertain significance (1 of 4 stars; one submission).

gnomAD v4.1: 1 of 1,612,500 alleles (0.000062%); highest among the groups gnomAD compares: South Asian, 0.0011%; no homozygotes.

Submission:

Labcorp Genetics (formerly Invitae), Labcorp
Classification: Uncertain significance. Last evaluated: 2024-10-21. Review status: criteria provided, single submitter. Criteria: Invitae Variant Classification Sherloc (09022015). Collection method: clinical testing. Allele origin: germline.
Comment: This sequence change replaces glutamic acid, which is acidic and polar, with aspartic acid, which is acidic and polar, at codon 268 of the GSN protein (p.Glu268Asp). This variant is present in population databases (rs779759717, gnomAD 0.003%). This variant has not been reported in the literature in individuals affected with GSN-related conditions. Invitae Evidence Modeling of protein sequence and biophysical properties (such as structural, functional, and spatial information, amino acid conservation, physicochemical variation, residue mobility, and thermodynamic stability) indicates that this missense variant is not expected to disrupt GSN protein function with a negative predictive value of 80%. In summary, the available evidence is currently insufficient to determine the role of this variant in disease. Therefore, it has been classified as a Variant of Uncertain Significance.

NM_198252.3(GSN):c.651G>C (p.Glu217Asp)

Gene: GSN (gelsolin; plus strand). Cytogenetic location: 9q33.2.
Variant type: single nucleotide variant.
Coding change: c.651G>C on transcript NM_198252.3 (MANE Select); coding-DNA position 651, G replaced by C.
Protein change: p.Glu217Asp; replaces glutamic acid 217 with aspartic acid.
Molecular consequence: missense variant. On other transcripts: 5 prime UTR variant (1).
Genome position (GRCh38, 1-based): chr9:121,312,476, G>C. VCF-style: chr9-121312476-G-C. GRCh37 (hg19) VCF-style: chr9-124074754-G-C.
Other names: c.804G>C, p.Glu268Asp (NM_000177.5); c.651G>C, p.Glu217Asp (NM_001127662.2, NM_001127664.2, NM_001127665.2 and 10 more transcripts); c.759G>C, p.Glu253Asp (NM_001127663.2); c.684G>C, p.Glu228Asp (NM_001127666.2, NM_001127667.2, NM_001353067.2 and 13 more transcripts); c.702G>C, p.Glu234Asp (NM_001258029.2); c.675G>C, p.Glu225Asp (NM_001258030.2); c.723G>C, p.Glu241Asp (NM_001353076.2); c.-4G>C (NM_001353078.2); short protein forms E234D, E268D, E217D, E228D, E241D, E225D, E253D.
Identifiers: ClinVar variation 3719884 (VCV003719884.2).
Genomic context (GRCh38, chr9:121,312,476, plus strand): 5'-GGACAACGAGCGGAGTGGCCGGGCCCGAGTGCACGTGTCTGAGGAGGGCACTGAGCCCGA[G>C]GCGATGCTCCAGGTGCCTGTGGGGTGCGCAATGGGGTGGCCATGGGGACACGCTGCTCAT-3'
Protein context (NP_937895.1, residues 207-227): VHVSEEGTEP[Glu217Asp]AMLQVLGPKP